The following is an entry in ClinVar:

ClinVar aggregate classification (germline): Likely benign. Review status: criteria provided, multiple submitters, no conflicts (2 of 4 stars). 4 submissions from 4 submitters: Likely benign (2). 2 of the submissions do not count toward it. Last evaluated 2025-11-09.

Allele frequency attached by ClinVar (database versions not stated): gnomAD exomes 0.00006; gnomAD 0.00008 and 0.00009.
gnomAD v4.1: 60 of 1,508,296 alleles (0.004%); highest among the groups gnomAD compares: African/African-American, 0.029%; 1 homozygote.

Submissions (4):

Labcorp Genetics (formerly Invitae), Labcorp
Classification: Likely benign. Last evaluated: 2025-11-09. Review status: criteria provided, single submitter. Criteria: Invitae Variant Classification Sherloc (09022015). Collection method: clinical testing. Allele origin: germline.

CeGaT Center for Human Genetics Tuebingen
Classification: Likely benign. Last evaluated: 2025-02-01. Review status: criteria provided, single submitter. Criteria: CeGaT Center For Human Genetics Tuebingen Variant Classification Criteria Version 2. Collection method: clinical testing. Allele origin: germline. Affected: yes. Observed: 2 variant alleles.
Comment: MAGEL2: BP4, BP7

Clinical Genetics DNA and cytogenetics Diagnostics Lab, Erasmus MC, Erasmus Medical Center
Classification: Likely benign. Review status: no assertion criteria provided. Collection method: clinical testing. Allele origin: germline. Affected: yes. Study: VKGL Data-share Consensus. Not counted in ClinVar's aggregate classification.

Clinical Genetics, Academic Medical Center
Classification: Likely benign. Review status: no assertion criteria provided. Collection method: clinical testing. Allele origin: germline. Affected: yes. Study: VKGL Data-share Consensus. Not counted in ClinVar's aggregate classification.

NM_019066.5(MAGEL2):c.549T>C (p.Pro183=)

Gene: MAGEL2 (MAGE family member L2; minus strand). Cytogenetic location: 15q11.2.
Variant type: single nucleotide variant.
Coding change: c.549T>C on transcript NM_019066.5 (MANE Select); coding-DNA position 549, T replaced by C.
Protein change: p.Pro183=; no amino-acid change (proline 183 retained).
Molecular consequence: synonymous variant.
Genome position (GRCh38, 1-based): chr15:23,647,194, A>G on the plus strand (T>C on the coding strand, the complement: MAGEL2 is on the minus strand). VCF-style: chr15-23647194-A-G. GRCh37 (hg19) VCF-style: chr15-23892341-A-G.
Identifiers: ClinVar variation 1299909 (VCV001299909.30), dbSNP rs1484729912, ClinGen allele CA617084242.